The following is an entry in ClinVar:

NM_001142966.3(GREB1L):c.1937G>A (p.Cys646Tyr)

Gene: GREB1L (GREB1 like retinoic acid receptor coactivator; plus strand). Cytogenetic location: 18q11.1.
Variant type: single nucleotide variant.
Coding change: c.1937G>A on transcript NM_001142966.3 (MANE Select); coding-DNA position 1937, G replaced by A.
Protein change: p.Cys646Tyr; replaces cysteine 646 with tyrosine.
Molecular consequence: missense variant.
Genome position (GRCh38, 1-based): chr18:21,452,170, G>A. VCF-style: chr18-21452170-G-A. GRCh37 (hg19) VCF-style: chr18-19032131-G-A.
Other names: c.2066G>A, p.Cys689Tyr (NM_001410867.1); c.1610G>A, p.Cys537Tyr (NM_001410868.1); short protein forms C537Y, C646Y, C689Y.
Identifiers: ClinVar variation 4996184 (VCV004996184.1).
Genomic context (GRCh38, chr18:21,452,170, plus strand): 5'-AAATGCAACAAAGAAGAGGAGACAGTGTGGTTACCCCTTTCGATGGAGACCTTAATGAAT[G>A]TGTGTCACCCCAGGAGGCTGCTGCTATGATTCCCACACAAAACCTGGGTAATGTCATCTC-3'
Protein context (NP_001136438.1, residues 636-656): VTPFDGDLNE[Cys646Tyr]VSPQEAAAMI

ClinVar aggregate classification (germline): Uncertain significance (1 of 4 stars; one submission).

Conditions:
GREB1L-related disorder. Also called: GREB1L-related condition.

Submission:

PreventionGenetics, part of Exact Sciences
Classification: Uncertain significance for GREB1L-related condition. Last evaluated: 2026-02-04. Review status: criteria provided, single submitter. Criteria: ACMG Guidelines, 2015. Collection method: clinical testing. Allele origin: germline.
Comment: The GREB1L c.1937G>A variant is predicted to result in the amino acid substitution p.Cys646Tyr. To our knowledge, this variant has not been reported in the literature or in a large population database (gnomAD), indicating this variant is rare. At this time, the clinical significance of this variant is uncertain due to the absence of conclusive functional and genetic evidence.